The following is an entry in ClinVar:

NM_001113491.2(SEPTIN9):c.108C>T (p.Val36=)

Gene: SEPTIN9 (septin 9; plus strand). Cytogenetic location: 17q25.3.
Variant type: single nucleotide variant.
Coding change: c.108C>T on transcript NM_001113491.2 (MANE Select); coding-DNA position 108, C replaced by T.
Protein change: p.Val36=; no amino-acid change (valine 36 retained).
Molecular consequence: synonymous variant. On other transcripts: 5 prime UTR variant (2).
Genome position (GRCh38, 1-based): chr17:77,402,090, C>T. VCF-style: chr17-77402090-C-T. GRCh37 (hg19) VCF-style: chr17-75398172-C-T.
Other names: c.-385C>T (NM_001113492.2, NM_001113494.1); c.87C>T, p.Val29= (NM_001113493.2); c.51C>T, p.Val17= (NM_001293695.2); c.54C>T, p.Val18= (NM_006640.5).
Identifiers: ClinVar variation 3624543 (VCV003624543.3).

ClinVar aggregate classification (germline): Benign/Likely benign. Review status: criteria provided, multiple submitters, no conflicts (2 of 4 stars). 2 submissions from 2 submitters: Benign (1); Likely benign (1). Last evaluated 2025-12-29.

gnomAD v4.1: 59 of 1,613,606 alleles (0.0037%); highest among the groups gnomAD compares: Non-Finnish European, 0.0044%; no homozygotes.

Submissions (2):

Women's Health and Genetics/Laboratory Corporation of America, LabCorp
Classification: Benign. Last evaluated: 2025-12-29. Review status: criteria provided, single submitter. Criteria: LabCorp Variant Classification Summary - May 2015. Collection method: clinical testing. Allele origin: germline.
Comment: Variant summary: SEPTIN9 c.54C>T alters a conserved nucleotide resulting in a synonymous change. Consensus agreement among computation tools predict no significant impact on normal splicing. However, these predictions have yet to be confirmed by functional studies. The variant allele was found at a frequency of 3.7e-05 in 1613606 control chromosomes. The observed variant frequency exceeds the estimated maximal expected allele frequency for disease-causing variants in SEPTIN9. To our knowledge, no occurrence of c.54C>T in individuals affected with SEPTIN9-related conditions and no experimental evidence demonstrating its impact on protein function have been reported. ClinVar contains an entry for this variant (Variation ID: 3624543). Based on the evidence outlined above, the variant was classified as benign.

Labcorp Genetics (formerly Invitae), Labcorp
Classification: Likely benign. Last evaluated: 2024-06-15. Review status: criteria provided, single submitter. Criteria: Invitae Variant Classification Sherloc (09022015). Collection method: clinical testing. Allele origin: germline.